The following is an entry in ClinVar:

ClinVar aggregate classification (germline): Uncertain significance. Review status: criteria provided, multiple submitters, no conflicts (2 of 4 stars). 2 submissions from 2 submitters: Uncertain significance (2). Last evaluated 2025-07-08.

Conditions:
Charcot-Marie-Tooth disease type 2. Also called: Charcot-Marie-Tooth type 2. Identifiers: Orphanet 64746, MedGen C0270914, MONDO:0018993.
Cardiomyopathy (CMYO). Also called: Cardiomyopathies. Identifiers: Orphanet 167848, MedGen C0878544, MONDO:0004994, HP:0001638. Inheritance: Various modes of inheritance.

Allele frequency attached by ClinVar (database versions not stated): gnomAD exomes below 0.00001; ExAC 0.00001.
gnomAD v4.1: 1 of 1,613,862 alleles (0.000062%); highest among the groups gnomAD compares: Admixed American, 0.0017%; no homozygotes.

Submissions (2):

Color Diagnostics, LLC DBA Color Health
Classification: Uncertain significance for Cardiomyopathy. Last evaluated: 2025-07-08. Review status: criteria provided, single submitter. Criteria: ACMG Guidelines, 2015. Collection method: clinical testing. Allele origin: germline.
Comment: This variant causes a G to C nucleotide substitution at the +5 position of intron 3 of the LMNA gene. Splice site prediction tools are inconclusive regarding the impact of this variant on RNA splicing. To our knowledge, RNA studies have not been reported for this variant. This variant has not been reported in individuals affected with LMNA-related disorders in the literature. This variant has been identified in 1/251376 chromosomes in the general population by the Genome Aggregation Database (gnomAD). The available evidence is insufficient to determine the role of this variant in disease conclusively. Therefore, this variant is classified as a Variant of Uncertain Significance.

Labcorp Genetics (formerly Invitae), Labcorp
Classification: Uncertain significance for Charcot-Marie-Tooth disease type 2. Last evaluated: 2024-04-27. Review status: criteria provided, single submitter. Criteria: Invitae Variant Classification Sherloc (09022015). Collection method: clinical testing. Allele origin: germline.
Comment: This sequence change falls in intron 3 of the LMNA gene. It does not directly change the encoded amino acid sequence of the LMNA protein. It affects a nucleotide within the consensus splice site. This variant is present in population databases (rs778763506, gnomAD 0.003%). This variant has not been reported in the literature in individuals affected with LMNA-related conditions. ClinVar contains an entry for this variant (Variation ID: 1053728). Variants that disrupt the consensus splice site are a relatively common cause of aberrant splicing (PMID: 17576681, 9536098). Algorithms developed to predict the effect of sequence changes on RNA splicing suggest that this variant may disrupt the consensus splice site. In summary, the available evidence is currently insufficient to determine the role of this variant in disease. Therefore, it has been classified as a Variant of Uncertain Significance.

Literature cited by the submitters: PubMed 17576681 (cited by Labcorp Genetics (formerly Invitae), Labcorp); PubMed 9536098 (cited by Labcorp Genetics (formerly Invitae), Labcorp).

NM_170707.4(LMNA):c.639+5G>C

Gene: LMNA (lamin A/C; plus strand). Cytogenetic location: 1q22.
Variant type: single nucleotide variant.
Coding change: c.639+5G>C on transcript NM_170707.4 (MANE Select); 5 bases into the intron after coding-DNA position 639, G replaced by C.
Molecular consequence: intron variant.
Genome position (GRCh38, 1-based): chr1:156,134,533, G>C. VCF-style: chr1-156134533-G-C. GRCh37 (hg19) VCF-style: chr1-156104324-G-C.
Other names: c.639+5G>C (NM_001282625.2, NM_001282626.2, NM_170708.4 and 1 more transcripts); c.303+5G>C (NM_001257374.3); c.396+5G>C (NM_001282624.2).
Identifiers: ClinVar variation 1053728 (VCV001053728.7), dbSNP rs778763506, ClinGen allele CA053917.
Genomic context (GRCh38, chr1:156,134,533, plus strand): 5'-ACAGGCTGCAGACCATGAAGGAGGAACTGGACTTCCAGAAGAACATCTACAGTGAGGTGG[G>C]GACTGTGCTTTGCAAGCCAGAGGGCTGGGGCTGGGTGATGACAGACTTGGGCTGGGCTAG-3'